The following is an entry in ClinVar:

ClinVar aggregate classification (germline): Uncertain significance (1 of 4 stars; one submission).

gnomAD v4.1: 7 of 1,428,226 alleles (0.00049%); highest among the groups gnomAD compares: Non-Finnish European, 0.00064%; no homozygotes.

Submission:

Labcorp Genetics (formerly Invitae), Labcorp
Classification: Uncertain significance. Last evaluated: 2025-10-12. Review status: criteria provided, single submitter. Criteria: Invitae Variant Classification Sherloc (09022015). Collection method: clinical testing. Allele origin: germline.
Comment: This sequence change replaces alanine, which is neutral and non-polar, with proline, which is neutral and non-polar, at codon 357 of the ARHGEF1 protein (p.Ala357Pro). This variant is not present in population databases (gnomAD no frequency). This variant has not been reported in the literature in individuals affected with ARHGEF1-related conditions. ClinVar contains an entry for this variant (Variation ID: 1467920). An algorithm developed to predict the effect of missense changes on protein structure and function outputs the following: PolyPhen-2: "Benign". The proline amino acid residue is found in multiple mammalian species, which suggests that this missense change does not adversely affect protein function. In summary, the available evidence is currently insufficient to determine the role of this variant in disease. Therefore, it has been classified as a Variant of Uncertain Significance.

NM_004706.4(ARHGEF1):c.1024G>C (p.Ala342Pro)

Gene: ARHGEF1 (Rho guanine nucleotide exchange factor 1; plus strand). Cytogenetic location: 19q13.2.
Variant type: single nucleotide variant.
Coding change: c.1024G>C on transcript NM_004706.4 (MANE Select); coding-DNA position 1024, G replaced by C.
Protein change: p.Ala342Pro; replaces alanine 342 with proline.
Molecular consequence: missense variant.
Genome position (GRCh38, 1-based): chr19:41,896,385, G>C. VCF-style: chr19-41896385-G-C. GRCh37 (hg19) VCF-style: chr19-42400458-G-C.
Other names: c.925G>C, p.Ala309Pro (NM_198977.2); c.1069G>C, p.Ala357Pro (NM_199002.2); short protein forms A357P, A342P, A309P.
Identifiers: ClinVar variation 1467920 (VCV001467920.6), dbSNP rs200492200, ClinGen allele CA406055727.
Genomic context (GRCh38, chr19:41,896,385, plus strand): 5'-GTCTCGTGGCCGCAGAGGCCTTCCAGCCAGCCCTGCTCCCTCCACCCCACAGGTGCTGAC[G>C]CCCCCCTGGAGCTGGGGGACTCATCCCCGCAGGGCCCAATGAGCCTGGAGTCCTTGGCGC-3'
Protein context (NP_004697.2, residues 332-352): DSPDREPGAD[Ala342Pro]PLELGDSSPQ